The following is an entry in ClinVar:

NM_182961.4(SYNE1):c.4299G>A (p.Thr1433=)

Gene: SYNE1 (spectrin repeat containing nuclear envelope protein 1; minus strand). Cytogenetic location: 6q25.2.
Variant type: single nucleotide variant.
Coding change: c.4299G>A on transcript NM_182961.4 (MANE Select); coding-DNA position 4299, G replaced by A.
Protein change: p.Thr1433=; no amino-acid change (threonine 1433 retained).
Molecular consequence: synonymous variant.
Genome position (GRCh38, 1-based): chr6:152,435,952, C>T on the plus strand (G>A on the coding strand, the complement: SYNE1 is on the minus strand). VCF-style: chr6-152435952-C-T. GRCh37 (hg19) VCF-style: chr6-152757087-C-T.
Other names: c.4320G>A, p.Thr1440= (NM_033071.5).
Identifiers: ClinVar variation 1102041 (VCV001102041.32), dbSNP rs528090478, ClinGen allele CA4058601.

ClinVar aggregate classification (germline): Likely benign. Review status: criteria provided, multiple submitters, no conflicts (2 of 4 stars). 2 submissions from 2 submitters: Likely benign (2). Last evaluated 2025-08-26.

Conditions:
Autosomal recessive ataxia, Beauce type. Also called: SYNE1-Related Autosomal Recessive Cerebellar Ataxia; ATAXIA, RECESSIVE, OF BEAUCE; Spinocerebellar ataxia, autosomal recessive 8; SYNE1 Deficiency. Identifiers: Orphanet 88644, MedGen C1853116, MONDO:0012549, OMIM 610743.
Emery-Dreifuss muscular dystrophy 4, autosomal dominant (EDMD4). Also called: EMERY-DREIFUSS MUSCULAR DYSTROPHY 4 WITH VARIABLE FEATURES. Identifiers: Orphanet 261, MedGen C2751807, MONDO:0013071, OMIM 612998.

Allele frequency attached by ClinVar (database versions not stated): ExAC 0.00002; gnomAD exomes 0.00002.
gnomAD v4.1: 52 of 1,614,032 alleles (0.0032%); highest among the groups gnomAD compares: Non-Finnish European, 0.0036%; no homozygotes.

Submissions (2):

Labcorp Genetics (formerly Invitae), Labcorp
Classification: Likely benign for Emery-Dreifuss muscular dystrophy 4, autosomal dominant; Autosomal recessive ataxia, Beauce type. Last evaluated: 2025-08-26. Review status: criteria provided, single submitter. Criteria: Invitae Variant Classification Sherloc (09022015). Collection method: clinical testing. Allele origin: germline.

CeGaT Center for Human Genetics Tuebingen
Classification: Likely benign. Last evaluated: 2023-03-01. Review status: criteria provided, single submitter. Criteria: CeGaT Center For Human Genetics Tuebingen Variant Classification Criteria Version 2. Collection method: clinical testing. Allele origin: germline. Affected: yes. Observed: 2 variant alleles.
Comment: SYNE1: BP4, BP7